The following is an entry in ClinVar:

ClinVar aggregate classification (germline): Uncertain significance (1 of 4 stars; one submission).

Allele frequency attached by ClinVar (database versions not stated): gnomAD 0.00001; gnomAD exomes 0.00003.
gnomAD v4.1: 49 of 1,614,014 alleles (0.003%); highest among the groups gnomAD compares: Non-Finnish European, 0.0039%; no homozygotes.

Submission:

Labcorp Genetics (formerly Invitae), Labcorp
Classification: Uncertain significance. Last evaluated: 2022-07-02. Review status: criteria provided, single submitter. Criteria: Invitae Variant Classification Sherloc (09022015). Collection method: clinical testing. Allele origin: germline.
Comment: In summary, the available evidence is currently insufficient to determine the role of this variant in disease. Therefore, it has been classified as a Variant of Uncertain Significance. Algorithms developed to predict the effect of missense changes on protein structure and function (SIFT, PolyPhen-2, Align-GVGD) all suggest that this variant is likely to be disruptive. This variant has not been reported in the literature in individuals affected with RNASEH1-related conditions. This variant is present in population databases (no rsID available, gnomAD 0.005%). This sequence change replaces tyrosine, which is neutral and polar, with cysteine, which is neutral and slightly polar, at codon 143 of the RNASEH1 protein (p.Tyr143Cys).

NM_002936.6(RNASEH1):c.428A>G (p.Tyr143Cys)

Gene: RNASEH1 (ribonuclease H1; minus strand). Cytogenetic location: 2p25.3.
Variant type: single nucleotide variant.
Coding change: c.428A>G on transcript NM_002936.6 (MANE Select); coding-DNA position 428, A replaced by G.
Protein change: p.Tyr143Cys; replaces tyrosine 143 with cysteine.
Molecular consequence: missense variant. On other transcripts: non-coding transcript variant (7).
Genome position (GRCh38, 1-based): chr2:3,550,454, T>C on the plus strand (A>G on the coding strand, the complement: RNASEH1 is on the minus strand). VCF-style: chr2-3550454-T-C. GRCh37 (hg19) VCF-style: chr2-3598044-T-C.
Other names: c.350A>G, p.Tyr117Cys (NM_001286834.3); c.77A>G, p.Tyr26Cys (NM_001286837.3); c.428A>G, p.Tyr143Cys (NM_001378271.1, NM_001378273.1); c.425A>G, p.Tyr142Cys (NM_001378272.1); short protein forms Y143C, Y117C, Y142C, Y26C.
Identifiers: ClinVar variation 1967668 (VCV001967668.5), dbSNP rs1365204600, ClinGen allele CA345737494.